The following is an entry in ClinVar:

NM_000520.6(HEXA):c.413-2A>G

Gene: HEXA (hexosaminidase subunit alpha; minus strand). Cytogenetic location: 15q23.
Variant type: single nucleotide variant.
Coding change: c.413-2A>G on transcript NM_000520.6 (MANE Select); the canonical splice acceptor site of the intron before coding-DNA position 413, A replaced by G.
Molecular consequence: splice acceptor variant.
Genome position (GRCh38, 1-based): chr15:72,353,739, T>C on the plus strand (A>G on the coding strand, the complement: HEXA is on the minus strand). VCF-style: chr15-72353739-T-C. GRCh37 (hg19) VCF-style: chr15-72646080-T-C.
Other names: c.446-2A>G (NM_001318825.2); c.413-2A>G (NM_000520.5).
Identifiers: ClinVar variation 928998 (VCV000928998.10), dbSNP rs2088733862, ClinGen allele CA393065763.

ClinVar aggregate classification (germline): Pathogenic/Likely pathogenic. Review status: criteria provided, multiple submitters, no conflicts (2 of 4 stars). 3 submissions from 3 submitters: Pathogenic (1); Likely pathogenic (2). Last evaluated 2025-06-05.

Conditions:
Tay-Sachs disease (TSD). Also called: HEXA DEFICIENCY; GM2 gangliosidosis, type 1; Hexosaminidase alpha-subunit deficiency (variant B); Sphingolipidosis, Tay-Sachs; HEXA Disorders; Hexosaminidase A Deficiency. Identifiers: Orphanet 845, MedGen C0039373, MONDO:0010100, OMIM 272800.

Allele frequency attached by ClinVar (database versions not stated): gnomAD exomes below 0.00001.
gnomAD v4.1: 3 of 1,607,858 alleles (0.00019%); highest among the groups gnomAD compares: Non-Finnish European, 0.00026%; no homozygotes.

Submissions (3):

Natera, Inc.
Classification: Likely pathogenic for Tay-Sachs disease. Last evaluated: 2025-06-05. Review status: criteria provided, single submitter. Criteria: Natera Variant Classification Schema (03/2026). Collection method: clinical testing. Allele origin: germline.
Comment: The c.413-2A>G variant in HEXA is a canonical splice acceptor site variant predicted to affect pre-mRNA splicing, which may result in an abnormal transcript and altered protein product. This variant is expected to result in nonsense mediated decay, truncation, or a dysfunctional protein product. This variant is rare in the general population with a frequency below the threshold expected for the associated phenotype(s). Given the available evidence, this variant is classified as Likely Pathogenic.

Labcorp Genetics (formerly Invitae), Labcorp
Classification: Likely pathogenic for Tay-Sachs disease. Last evaluated: 2024-04-12. Review status: criteria provided, single submitter. Criteria: Invitae Variant Classification Sherloc (09022015). Collection method: clinical testing. Allele origin: germline.
Comment: This sequence change affects an acceptor splice site in intron 3 of the HEXA gene. It is expected to disrupt RNA splicing. Variants that disrupt the donor or acceptor splice site typically lead to a loss of protein function (PMID: 16199547), and loss-of-function variants in HEXA are known to be pathogenic (PMID: 1833974, 8490625). This variant is not present in population databases (gnomAD no frequency). Disruption of this splice site has been observed in individual(s) with Tay-Sachs disease (PMID: 22789865). ClinVar contains an entry for this variant (Variation ID: 928998). Algorithms developed to predict the effect of sequence changes on RNA splicing suggest that this variant may disrupt the consensus splice site. In summary, the currently available evidence indicates that the variant is pathogenic, but additional data are needed to prove that conclusively. Therefore, this variant has been classified as Likely Pathogenic.

Women's Health and Genetics/Laboratory Corporation of America, LabCorp
Classification: Pathogenic for Tay-Sachs disease. Last evaluated: 2019-01-28. Review status: criteria provided, single submitter. Criteria: LabCorp Variant Classification Summary - May 2015. Collection method: clinical testing. Allele origin: germline.
Comment: Variant summary: HEXA c.413-2A>G is located in a canonical splice-site and is predicted to affect mRNA splicing resulting in a significantly altered protein due to either exon skipping, shortening, or inclusion of intronic material. The variant was absent in 246218 control chromosomes. c.413-2A>G has been reported in the literature in one individual affected with Tay-Sachs Disease (Gort_2012). At least one publication reports experimental evidence evaluating an impact on protein function. The most pronounced variant effect results in <10% of normal activity (Gort_2012). No clinical diagnostic laboratories have submitted clinical-significance assessments for this variant to ClinVar after 2014. Based on the evidence outlined above, the variant was classified as pathogenic.

Literature cited by the submitters: PubMed 16199547 (cited by Labcorp Genetics (formerly Invitae), Labcorp); PubMed 1833974 (cited by Labcorp Genetics (formerly Invitae), Labcorp); PubMed 8490625 (cited by Labcorp Genetics (formerly Invitae), Labcorp); PubMed 22789865 (cited by Labcorp Genetics (formerly Invitae), Labcorp and Women's Health and Genetics/Laboratory Corporation of America, LabCorp).